The following is an entry in ClinVar:

ClinVar aggregate classification (germline): Pathogenic. Review status: criteria provided, multiple submitters, no conflicts (2 of 4 stars). 3 submissions from 3 submitters: Pathogenic (3). Last evaluated 2023-02-28.

Conditions:
Intellectual developmental disorder 62. Also called: INTELLECTUAL DEVELOPMENTAL DISORDER, AUTOSOMAL DOMINANT 62; MENTAL RETARDATION, AUTOSOMAL DOMINANT 62. Identifiers: MedGen C5394083, MONDO:0032919, OMIM 618793.

Submissions (3):

Tumer Group, Copenhagen University Hospital, Rigshospitalet
Classification: Pathogenic for Intellectual developmental disorder 62. Last evaluated: 2023-02-28. Review status: criteria provided, single submitter. Criteria: ACMG Guidelines, 2015. Collection method: research. Allele origin: de novo. Affected: yes.

Institute of Human Genetics, University of Leipzig Medical Center
Classification: Pathogenic for Intellectual developmental disorder 62. Last evaluated: 2021-12-21. Review status: criteria provided, single submitter. Criteria: ACMG Guidelines, 2015. Collection method: research. Allele origin: de novo. Affected: yes.

GeneDx
Classification: Pathogenic. Last evaluated: 2019-09-26. Review status: criteria provided, single submitter. Criteria: GeneDx Variant Classification Process June 2021. Collection method: clinical testing. Allele origin: germline. Affected: yes.
Comment: Frameshift variant predicted to result in protein truncation or nonsense mediated decay in a gene for which loss-of-function is a known mechanism of disease; Not observed in large population cohorts (Lek et al., 2016); Has not been previously published as pathogenic or benign to our knowledge

Literature cited by the submitters: PubMed 33597769 (cited by Institute of Human Genetics, University of Leipzig Medical Center).

NM_001321075.3(DLG4):c.605del (p.Lys202fs)

Gene: DLG4 (discs large MAGUK scaffold protein 4; minus strand). Cytogenetic location: 17p13.1.
Variant type: Deletion.
Coding change: c.605del on transcript NM_001321075.3 (MANE Select); coding-DNA position 605, one base deleted (A; older notation c.605delA).
Protein change: p.Lys202fs; shifts the reading frame from lysine 202.
Molecular consequence: frameshift variant. On other transcripts: non-coding transcript variant (1).
Genome position (GRCh38, 1-based): chr17:7,203,230, T deleted on the plus strand (A on the coding strand, the reverse complement: DLG4 is on the minus strand); the first of 2 consecutive T bases (chr17:7,203,230-7,203,231); deleting either gives the same sequence. VCF-style (leftmost placement, unchanged base first): chr17-7203229-CT-C. GRCh37 (hg19) VCF-style: chr17-7106548-CT-C.
Other names: c.734delA (NM_001365.3, NM_001365.4); c.596del, p.Lys199fs (NM_001128827.4); c.725del, p.Lys242fs (NM_001321074.1); c.425del, p.Lys142fs (NM_001321076.3, NM_001321077.3); c.733delA, p.Lys245Argfs (NM_001365.5); c.524del, p.Lys175fs (NM_001369566.3); short protein forms K199fs, K202fs, K245fs, K142fs, K175fs, K242fs.
Identifiers: ClinVar variation 422289 (VCV000422289.6), dbSNP rs1064795686, ClinGen allele CA16620595.